The following is an entry in ClinVar:

NM_006302.3(MOGS):c.1801C>T (p.Arg601Ter)

Gene: MOGS (mannosyl-oligosaccharide glucosidase; minus strand). Cytogenetic location: 2p13.1.
Variant type: single nucleotide variant.
Coding change: c.1801C>T on transcript NM_006302.3 (MANE Select); coding-DNA position 1801, C replaced by T.
Protein change: p.Arg601Ter; replaces arginine 601 with a stop codon.
Molecular consequence: nonsense.
Genome position (GRCh38, 1-based): chr2:74,461,988, G>A on the plus strand (C>T on the coding strand, the complement: MOGS is on the minus strand). VCF-style: chr2-74461988-G-A. GRCh37 (hg19) VCF-style: chr2-74689115-G-A.
Other names: c.1801C>T, p.Arg601Ter (LRG_1226t1); c.1483C>T, p.Arg495Ter (NM_001146158.2); short protein forms R601*, R495*.
Identifiers: ClinVar variation 379238 (VCV000379238.2), dbSNP rs1057520537, ClinGen allele CA16604406.

ClinVar aggregate classification (germline): Pathogenic (1 of 4 stars; one submission).

Allele frequency attached by ClinVar (database versions not stated): TOPMed below 0.00001; gnomAD 0.00001; gnomAD exomes 0.00001.
gnomAD v4.1: 11 of 1,614,042 alleles (0.00068%); highest among the groups gnomAD compares: East Asian, 0.0022%; no homozygotes.

Submission:

GeneDx
Classification: Pathogenic. Last evaluated: 2015-03-12. Review status: criteria provided, single submitter. Criteria: GeneDx Variant Classification (06012015). Collection method: clinical testing. Allele origin: germline. Affected: yes.
Comment: The R601X variant in the MOGS gene has not been reported previously as a pathogenic variantnor as a benign polymorphism, to our knowledge. This variant is predicted to cause loss of normal proteinfunction through protein truncation. The R601X variant was not observed in approximately 6400individuals of European and African American ancestry in the NHLBI Exome Sequencing Project,indicating it is not a common benign variant in these populations. We interpret R601X as a pathogenic variant.